The following is an entry in ClinVar:

NM_021100.5(NFS1):c.1310+11T>G

Gene: NFS1 (NFS1 cysteine desulfurase; minus strand). Cytogenetic location: 20q11.22.
Variant type: single nucleotide variant.
Coding change: c.1310+11T>G on transcript NM_021100.5 (MANE Select); 11 bases into the intron after coding-DNA position 1310, T replaced by G.
Molecular consequence: intron variant.
Genome position (GRCh38, 1-based): chr20:35,672,744, A>C on the plus strand (T>G on the coding strand, the complement: NFS1 is on the minus strand). VCF-style: chr20-35672744-A-C. GRCh37 (hg19) VCF-style: chr20-34260666-A-C.
Other names: c.1157+11T>G (NM_001198989.2).
Identifiers: ClinVar variation 515012 (VCV000515012.1), dbSNP rs1555883322, ClinGen allele CA658799359.
Genomic context (GRCh38, chr20:35,672,744, plus strand): 5'-CATAGCCTAAGGACAAGAGGGGAGACAGTGCTAGAGTTTCTTCCAAAGCGTCTCTGATAC[A>C]ATATGTATACCTCATTTCTCGAAGACGCTTCACATGCTGAATGCATTTCTCCACTGTGTA-3'

ClinVar aggregate classification (germline): Likely benign (1 of 4 stars; one submission).

Submission:

GeneDx
Classification: Likely benign. Last evaluated: 2018-02-15. Review status: criteria provided, single submitter. Criteria: GeneDx Variant Classification (06012015). Collection method: clinical testing. Allele origin: germline. Affected: yes.
Comment: This variant is considered likely benign or benign based on one or more of the following criteria: it is a conservative change, it occurs at a poorly conserved position in the protein, it is predicted to be benign by multiple in silico algorithms, and/or has population frequency not consistent with disease.